The following is an entry in ClinVar:

NM_173628.4(DNAH17):c.13282A>G (p.Lys4428Glu)

Genes: DNAH17 (dynein axonemal heavy chain 17; minus strand), PGS1 (phosphatidylglycerophosphate synthase 1; plus strand). Cytogenetic location: 17q25.3.
Variant type: single nucleotide variant.
Coding change: c.13282A>G on transcript NM_173628.4 (MANE Select); coding-DNA position 13282, A replaced by G.
Protein change: p.Lys4428Glu; replaces lysine 4428 with glutamic acid.
Molecular consequence: missense variant. On other transcripts: intron variant (1).
Genome position (GRCh38, 1-based): chr17:78,424,013, T>C on the plus strand (A>G on the coding strand, the complement: DNAH17 is on the minus strand). VCF-style: chr17-78424013-T-C. GRCh37 (hg19) VCF-style: chr17-76420094-T-C.
Other names: c.*11-48T>C (NM_024419.5); short protein forms K4428E.
Identifiers: ClinVar variation 5002061 (VCV005002061.1).

ClinVar aggregate classification (germline): Uncertain significance (1 of 4 stars; one submission).

Conditions:
DNAH17-related disorder. Also called: DNAH17-related condition.

gnomAD v4.1: 1 of 1,614,060 alleles (0.000062%); highest among the groups gnomAD compares: Non-Finnish European, 0.000085%; no homozygotes.

Submission:

PreventionGenetics, part of Exact Sciences
Classification: Uncertain significance for DNAH17-related condition. Last evaluated: 2024-10-14. Review status: criteria provided, single submitter. Criteria: ACMG Guidelines, 2015. Collection method: clinical testing. Allele origin: germline.
Comment: The DNAH17 c.13282A>G variant is predicted to result in the amino acid substitution p.Lys4428Glu. To our knowledge, this variant has not been reported in the literature or in a large population database (gnomAD), indicating this variant is rare. At this time, the clinical significance of this variant is uncertain due to the absence of conclusive functional and genetic evidence.